The following is an entry in ClinVar:

NM_004990.4(MARS1):c.2477C>T (p.Pro826Leu)

Gene: MARS1 (methionyl-tRNA synthetase 1; plus strand). Cytogenetic location: 12q13.3.
Variant type: single nucleotide variant.
Coding change: c.2477C>T on transcript NM_004990.4 (MANE Select); coding-DNA position 2477, C replaced by T.
Protein change: p.Pro826Leu; replaces proline 826 with leucine.
Molecular consequence: missense variant.
Genome position (GRCh38, 1-based): chr12:57,516,258, C>T. VCF-style: chr12-57516258-C-T. GRCh37 (hg19) VCF-style: chr12-57910041-C-T.
Other names: short protein forms P826L.
Identifiers: ClinVar variation 570331 (VCV000570331.13), dbSNP rs138343927, ClinGen allele CA6650862.

ClinVar aggregate classification (germline): Uncertain significance. Review status: criteria provided, multiple submitters, no conflicts (2 of 4 stars). 5 submissions from 5 submitters: Uncertain significance (5). Last evaluated 2025-10-09.

Conditions:
MARS1-related disorder. Also called: MARS1-related condition.
Severe early-onset pulmonary alveolar proteinosis due to MARS deficiency. Also called: PULMONARY ALVEOLAR PROTEINOSIS, REUNION ISLAND; Interstitial lung and liver disease. Identifiers: Orphanet 440427, MedGen C4225400, MONDO:0014206, OMIM 615486.
Charcot-Marie-Tooth disease axonal type 2U. Also called: CHARCOT-MARIE-TOOTH NEUROPATHY, TYPE 2U; CHARCOT-MARIE-TOOTH DISEASE, AXONAL, AUTOSOMAL DOMINANT, TYPE 2U. Identifiers: Orphanet 397735, MedGen C4084821, MONDO:0014566, OMIM 616280.
Charcot-Marie-Tooth disease. Also called: Charcot-Marie-Tooth Hereditary Neuropathy; Charcot-Marie-Tooth Neuropathy. Identifiers: Orphanet 166, MedGen C0007959, MONDO:0015626.

Allele frequency attached by ClinVar (database versions not stated): TOPMed 0.00002; ExAC 0.00003; gnomAD 0.00003; ESP Exome Variant Server 0.00008.
gnomAD v4.1: 126 of 1,613,974 alleles (0.0078%); highest among the groups gnomAD compares: Non-Finnish European, 0.01%; no homozygotes.

Submissions (5):

PreventionGenetics, part of Exact Sciences
Classification: Uncertain significance for MARS1-related condition. Last evaluated: 2025-10-09. Review status: criteria provided, single submitter. Criteria: ACMG Guidelines, 2015. Collection method: clinical testing. Allele origin: germline.
Comment: The MARS1 c.2477C>T variant is predicted to result in the amino acid substitution p.Pro826Leu. To our knowledge, this variant has not been reported in the literature. This variant is reported in 0.0080% of alleles in individuals of African descent in gnomAD. At this time, the clinical significance of this variant is uncertain due to the absence of conclusive functional and genetic evidence.

Labcorp Genetics (formerly Invitae), Labcorp
Classification: Uncertain significance for Charcot-Marie-Tooth disease axonal type 2U; Severe early-onset pulmonary alveolar proteinosis due to MARS deficiency. Last evaluated: 2024-10-16. Review status: criteria provided, single submitter. Criteria: Invitae Variant Classification Sherloc (09022015). Collection method: clinical testing. Allele origin: germline.
Comment: This sequence change replaces proline, which is neutral and non-polar, with leucine, which is neutral and non-polar, at codon 826 of the MARS protein (p.Pro826Leu). This variant is present in population databases (rs138343927, gnomAD 0.008%). This variant has not been reported in the literature in individuals affected with MARS-related conditions. ClinVar contains an entry for this variant (Variation ID: 570331). An algorithm developed to predict the effect of missense changes on protein structure and function (PolyPhen-2) suggests that this variant is likely to be tolerated. In summary, the available evidence is currently insufficient to determine the role of this variant in disease. Therefore, it has been classified as a Variant of Uncertain Significance.

Ambry Genetics
Classification: Uncertain significance. Last evaluated: 2022-02-09. Review status: criteria provided, single submitter. Criteria: Ambry Variant Classification Scheme 2023. Collection method: clinical testing. Allele origin: germline.
Comment: The p.P826L variant (also known as c.2477C>T), located in coding exon 20 of the MARS gene, results from a C to T substitution at nucleotide position 2477. The proline at codon 826 is replaced by leucine, an amino acid with similar properties. This amino acid position is conserved. In addition, this alteration is predicted to be tolerated by in silico analysis. Since supporting evidence is limited at this time, the clinical significance of this alteration remains unclear.

Department of Pathology and Laboratory Medicine, Sinai Health System
Classification: Uncertain significance for Charcot-Marie-Tooth disease. Last evaluated: 2021-08-08. Review status: criteria provided, single submitter. Criteria: ACMG Guidelines, 2015. Collection method: research. Allele origin: germline.

Breakthrough Genomics
Classification: Uncertain significance. Review status: criteria provided, single submitter. Criteria: ACMG Guidelines, 2015. Collection method: not provided. Allele origin: germline. Inheritance: Autosomal recessive inheritance. Affected: yes.